The following is an entry in ClinVar:

NM_001105206.3(LAMA4):c.76T>C (p.Ser26Pro)

Genes: LAMA4 (laminin subunit alpha 4; minus strand), LAMA4-AS1 (LAMA4 antisense RNA 1; plus strand). Cytogenetic location: 6q21.
Variant type: single nucleotide variant.
Coding change: c.76T>C on transcript NM_001105206.3 (MANE Select); coding-DNA position 76, T replaced by C.
Protein change: p.Ser26Pro; replaces serine 26 with proline.
Molecular consequence: missense variant.
Genome position (GRCh38, 1-based): chr6:112,254,075, A>G on the plus strand (T>C on the coding strand, the complement: LAMA4 is on the minus strand). VCF-style: chr6-112254075-A-G. GRCh37 (hg19) VCF-style: chr6-112575277-A-G.
Other names: c.76T>C, p.Ser26Pro (NM_001105207.3, NM_001105208.3, NM_001105209.3 and 1 more transcripts); short protein forms S26P.
Identifiers: ClinVar variation 3866222 (VCV003866222.1).

ClinVar aggregate classification (germline): Uncertain significance (1 of 4 stars; one submission).

Conditions:
Cardiovascular phenotype. Identifiers: MedGen CN230736.

gnomAD v4.1: 3 of 1,611,466 alleles (0.00019%); highest among the groups gnomAD compares: Non-Finnish European, 0.00025%; no homozygotes.

Submission:

Ambry Genetics
Classification: Uncertain significance for Cardiovascular phenotype. Last evaluated: 2025-03-09. Review status: criteria provided, single submitter. Criteria: Ambry Variant Classification Scheme 2023. Collection method: clinical testing. Allele origin: germline.
Comment: The p.S26P variant (also known as c.76T>C), located in coding exon 1 of the LAMA4 gene, results from a T to C substitution at nucleotide position 76. The serine at codon 26 is replaced by proline, an amino acid with similar properties. This amino acid position is conserved. In addition, this alteration is predicted to be tolerated by in silico analysis. Based on the available evidence, the clinical significance of this variant remains unclear.